The following is an entry in ClinVar:

NM_021614.4(KCNN2):c.1828_1848dup (p.Lys616_His617insGluLeuThrLysAlaGluLys)

Genes: KCNN2 (potassium calcium-activated channel subfamily N member 2; plus strand), KCNN2-AS1 (KCNN2 antisense RNA 1; minus strand). Cytogenetic location: 5q22.3.
Variant type: Duplication.
Coding change: c.1828_1848dup on transcript NM_021614.4 (MANE Select); coding-DNA positions 1828 to 1848, 21 bases duplicated (GAACTTACCAAAGCAGAAAAA).
Protein change: p.Lys616_His617insGluLeuThrLysAlaGluLys.
Molecular consequence: inframe insertion. On other transcripts: non-coding transcript variant (2).
Genome position (GRCh38, 1-based): chr5:114,473,102-114,473,122, GAACTTACCAAAGCAGAAAAA duplicated; duplicating any 21 consecutive bases within chr5:114,473,101-114,473,122 gives the same sequence; the c. name uses the placement nearest the transcript's 3' end. VCF-style (leftmost placement, unchanged base first): chr5-114473100-T-TAGAACTTACCAAAGCAGAAAA. GRCh37 (hg19) VCF-style: chr5-113808797-T-TAGAACTTACCAAAGCAGAAAA.
Other names: c.2026_2046dup, p.Lys682_His683insGluLeuThrLysAlaGluLys (NM_001372233.1); c.148_168dup, p.Lys56_His57insGluLeuThrLysAlaGluLys (NM_170775.3).
Identifiers: ClinVar variation 4884719 (VCV004884719.1).
Genomic context (GRCh38, chr5:114,473,100, plus strand): 5'-CTCCTTGTTTTCAGGGTGCTGGTTGCACAGCCCTGGTGGTAGCTGTAGTGGCAAGGAAGC[T>TAGAACTTACCAAAGCAGAAAA]AGAACTTACCAAAGCAGAAAAACACGTGCACAATTTCATGATGGATACTCAGCTGACTAA-3'

ClinVar aggregate classification (germline): Likely pathogenic (1 of 4 stars; one submission).

Conditions:
Dystonia 34, myoclonic (DYT34). Identifiers: MedGen C5676907, MONDO:0030538, OMIM 619724.

Submission:

Center for Human Genetics and Genomic Medicine, Uniklinik Rwth Aachen
Classification: Likely pathogenic for Dystonia 34, myoclonic. Last evaluated: 2026-07-27. Review status: criteria provided, single submitter. Criteria: ACMG Guidelines, 2015. Collection method: clinical testing. Allele origin: de novo. Inheritance: Autosomal dominant inheritance. Affected: yes. Observed: 1 variant allele, 1 heterozygote.
Comment: The variant is absent from large population studies (PM2_sup). The variant has occured de novo (maternity and paternity confirmed) (PS2_mod). The variant is located in a functinally relvant domain (PM1), it leads to an elnogation of the protein by 7 amino acids (PM4).